The following is an entry in ClinVar:

ClinVar aggregate classification (germline): Likely benign (1 of 4 stars; one submission).

Conditions:
BAP1-related tumor predisposition syndrome (TPDS1). Also called: BAP1 tumor predisposition syndrome; Tumor susceptibility linked to germline BAP1 mutations; COMMON Syndrome; TUMOR PREDISPOSITION SYNDROME 1. Identifiers: Orphanet 289539, MedGen C3280492, MONDO:0013692, OMIM 614327.

Submission:

Myriad Genetics, Inc.
Classification: Likely benign for BAP1-related tumor predisposition syndrome. Last evaluated: 2024-07-17. Review status: criteria provided, single submitter. Criteria: Myriad Autosomal Dominant, Autosomal Recessive and X-Linked Classification Criteria (2023). Collection method: clinical testing. Allele origin: unknown.
Comment: This variant is considered likely benign. This variant is intronic and is not expected to impact mRNA splicing.

NM_004656.4(BAP1):c.1984-9C>T

Gene: BAP1 (BRCA1 associated deubiquitinase 1; minus strand). Cytogenetic location: 3p21.1.
Variant type: single nucleotide variant.
Coding change: c.1984-9C>T on transcript NM_004656.4 (MANE Select); 9 bases into the intron before coding-DNA position 1984, C replaced by T.
Molecular consequence: intron variant.
Genome position (GRCh38, 1-based): chr3:52,402,683, G>A on the plus strand (C>T on the coding strand, the complement: BAP1 is on the minus strand). VCF-style: chr3-52402683-G-A. GRCh37 (hg19) VCF-style: chr3-52436699-G-A.
Other names: c.1930-9C>T (NM_001410772.1).
Identifiers: ClinVar variation 3379191 (VCV003379191.1).